The following is an entry in ClinVar:

ClinVar aggregate classification (germline): Pathogenic (1 of 4 stars; one submission).

Conditions:
Primary ciliary dyskinesia 32. Also called: CILIARY DYSKINESIA, PRIMARY, 32, WITHOUT SITUS INVERSUS. Identifiers: Orphanet 244, MedGen C4225311, MONDO:0014657, OMIM 616481.

Submission:

Labcorp Genetics (formerly Invitae), Labcorp
Classification: Pathogenic for Primary ciliary dyskinesia 32. Last evaluated: 2019-07-09. Review status: criteria provided, single submitter. Criteria: Invitae Variant Classification Sherloc (09022015). Collection method: clinical testing. Allele origin: germline.
Comment: For these reasons, this variant has been classified as Pathogenic. Loss-of-function variants in RSPH3 are known to be pathogenic (PMID: 26073779). This variant has not been reported in the literature in individuals with RSPH3-related conditions. This variant is not present in population databases (ExAC no frequency). This sequence change creates a premature translational stop signal (p.Arg417Glyfs*2) in the RSPH3 gene. It is expected to result in an absent or disrupted protein product.

Literature cited by the submitters: PubMed 26073779.

NM_031924.8(RSPH3):c.823_824del (p.Arg275fs)

Gene: RSPH3 (radial spoke head 3; minus strand). Cytogenetic location: 6q25.3.
Variant type: Deletion.
Coding change: c.823_824del on transcript NM_031924.8 (MANE Select); coding-DNA positions 823 to 824, 2 bases deleted (AG; older notation c.823_824delAG).
Protein change: p.Arg275fs; shifts the reading frame from arginine 275.
Molecular consequence: frameshift variant. On other transcripts: non-coding transcript variant (1).
Genome position (GRCh38, 1-based): chr6:158,980,809-158,980,810, CT deleted on the plus strand (AG on the coding strand, the reverse complement: RSPH3 is on the minus strand). VCF-style (leftmost placement, unchanged base first): chr6-158980808-CCT-C. GRCh37 (hg19) VCF-style: chr6-159401840-CCT-C.
Other names: c.961_962del, p.Arg321fs (NM_001346418.1); short protein forms R321fs, R275fs.
Identifiers: ClinVar variation 946339 (VCV000946339.7), dbSNP rs1778006795, ClinGen allele CA1139659919.
Genomic context (GRCh38, chr6:158,980,808, plus strand): 5'-TTAATCTAACAAAAATATCTACAAACCTCTTTCAATGGGATCATAAAAGTAGCCACTATC[CCT>C]GAGGCTGCCAAAAACAGACGGGAGAAGGTCAGCCAGGTAACGCTGTGCAAATGCTCGGGC-3'